The following is an entry in ClinVar:

ClinVar aggregate classification (germline): Uncertain significance. Review status: criteria provided, multiple submitters, no conflicts (2 of 4 stars). 2 submissions from 2 submitters: Uncertain significance (2). Last evaluated 2025-08-27.

Conditions:
Hereditary cancer-predisposing syndrome. Also called: Tumor predisposition; Hereditary Cancer Syndrome; Hereditary neoplastic syndrome; Neoplastic Syndromes, Hereditary. Identifiers: Orphanet 140162, MedGen C0027672, MeSH D009386, MONDO:0015356.
Familial adenomatous polyposis 2. Also called: FAP type 2; MUTYH Polyposis; COLORECTAL ADENOMATOUS POLYPOSIS, AUTOSOMAL RECESSIVE; ADENOMAS, MULTIPLE COLORECTAL, AUTOSOMAL RECESSIVE; MUTYH-associated polyposis; MUTYH-related attenuated familial adenomatous polyposis. Identifiers: Orphanet 220460, Orphanet 247798, MedGen C3272841, MONDO:0012041, OMIM 608456.

Allele frequency attached by ClinVar (database versions not stated): gnomAD exomes below 0.00001.
gnomAD v4.1: 2 of 1,614,242 alleles (0.00012%); highest among the groups gnomAD compares: Non-Finnish European, 0.00017%; no homozygotes.

Submissions (2):

Ambry Genetics
Classification: Uncertain significance for Hereditary cancer-predisposing syndrome. Last evaluated: 2025-08-27. Review status: criteria provided, single submitter. Criteria: Ambry Variant Classification Scheme 2023. Collection method: clinical testing. Allele origin: germline.
Comment: The p.A433V variant (also known as c.1298C>T), located in coding exon 13 of the MUTYH gene, results from a C to T substitution at nucleotide position 1298. The alanine at codon 433 is replaced by valine, an amino acid with similar properties. This amino acid position is conserved. In addition, this alteration is predicted to be tolerated by in silico analysis. Based on the available evidence, the clinical significance of this variant remains unclear.

Labcorp Genetics (formerly Invitae), Labcorp
Classification: Uncertain significance for Familial adenomatous polyposis 2. Last evaluated: 2025-05-26. Review status: criteria provided, single submitter. Criteria: Invitae Variant Classification Sherloc (09022015). Collection method: clinical testing. Allele origin: germline.
Comment: This sequence change replaces alanine, which is neutral and non-polar, with valine, which is neutral and non-polar, at codon 433 of the MUTYH protein (p.Ala433Val). This variant is not present in population databases (gnomAD no frequency). This variant has not been reported in the literature in individuals affected with MUTYH-related conditions. ClinVar contains an entry for this variant (Variation ID: 838145). An algorithm developed to predict the effect of missense changes on protein structure and function (PolyPhen-2) suggests that this variant is likely to be tolerated. In summary, the available evidence is currently insufficient to determine the role of this variant in disease. Therefore, it has been classified as a Variant of Uncertain Significance.

NM_001048174.2(MUTYH):c.1214C>T (p.Ala405Val)

Gene: MUTYH (mutY DNA glycosylase; minus strand). Cytogenetic location: 1p34.1.
Variant type: single nucleotide variant.
Coding change: c.1214C>T on transcript NM_001048174.2 (MANE Select); coding-DNA position 1214, C replaced by T.
Protein change: p.Ala405Val; replaces alanine 405 with valine.
Molecular consequence: missense variant. On other transcripts: non-coding transcript variant (2).
Genome position (GRCh38, 1-based): chr1:45,331,445, G>A on the plus strand (C>T on the coding strand, the complement: MUTYH is on the minus strand). VCF-style: chr1-45331445-G-A. GRCh37 (hg19) VCF-style: chr1-45797117-G-A.
Other names: c.1214C>T, p.Ala405Val (NM_001048171.2, NM_001048173.2, NM_001293195.2); c.1217C>T, p.Ala406Val (NM_001048172.2); c.1298C>T, p.Ala433Val (NM_001128425.2); c.1259C>T, p.Ala420Val (NM_001293190.2); c.1247C>T, p.Ala416Val (NM_001293191.2); c.938C>T, p.Ala313Val (NM_001293192.2, NM_001293196.2); c.869C>T, p.Ala290Val (NM_001350650.2, NM_001350651.2); c.1289C>T, p.Ala430Val (NM_012222.3); short protein forms A416V, A433V, A313V, A420V, A430V, A406V, A290V, A405V.
Identifiers: ClinVar variation 838145 (VCV000838145.10), dbSNP rs1557459395, ClinGen allele CA340132867.